The following is an entry in ClinVar:

NM_021072.4(HCN1):c.1351A>G (p.Asn451Asp)

Gene: HCN1 (hyperpolarization activated cyclic nucleotide gated potassium channel 1; minus strand). Cytogenetic location: 5p12.
Variant type: single nucleotide variant.
Coding change: c.1351A>G on transcript NM_021072.4 (MANE Select); coding-DNA position 1351, A replaced by G.
Protein change: p.Asn451Asp; replaces asparagine 451 with aspartic acid.
Molecular consequence: missense variant.
Genome position (GRCh38, 1-based): chr5:45,353,126, T>C on the plus strand (A>G on the coding strand, the complement: HCN1 is on the minus strand). VCF-style: chr5-45353126-T-C. GRCh37 (hg19) VCF-style: chr5-45353228-T-C.
Other names: short protein forms N451D.
Identifiers: ClinVar variation 856755 (VCV000856755.10), dbSNP rs945853543, ClinGen allele CA118291023.

ClinVar aggregate classification (germline): Uncertain significance (1 of 4 stars; one submission).

Conditions:
Early-infantile DEE. Also called: Ohtahara syndrome; Early infantile epileptic encephalopathy with suppression bursts; Early infantile epileptic encephalopathy. Identifiers: Orphanet 1934, MedGen C0393706, MONDO:0800491.

Allele frequency attached by ClinVar (database versions not stated): TOPMed below 0.00001; gnomAD exomes 0.00001.
gnomAD v4.1: 14 of 1,611,110 alleles (0.00087%); highest among the groups gnomAD compares: Non-Finnish European, 0.00093%; no homozygotes.

Submission:

Labcorp Genetics (formerly Invitae), Labcorp
Classification: Uncertain significance for Early-infantile DEE. Last evaluated: 2019-12-16. Review status: criteria provided, single submitter. Criteria: Invitae Variant Classification Sherloc (09022015). Collection method: clinical testing. Allele origin: germline.
Comment: This variant has not been reported in the literature in individuals with HCN1-related conditions. This variant is not present in population databases (ExAC no frequency). This sequence change replaces asparagine with aspartic acid at codon 451 of the HCN1 protein (p.Asn451Asp). The asparagine residue is highly conserved and there is a small physicochemical difference between asparagine and aspartic acid. In summary, the available evidence is currently insufficient to determine the role of this variant in disease. Therefore, it has been classified as a Variant of Uncertain Significance. Algorithms developed to predict the effect of missense changes on protein structure and function (SIFT, PolyPhen-2, Align-GVGD) all suggest that this variant is likely to be tolerated, but these predictions have not been confirmed by published functional studies and their clinical significance is uncertain.